The following is an entry in ClinVar:

NM_001349206.2(LPIN1):c.1367del (p.Pro456fs)

Genes: LPIN1 (lipin 1; plus strand), LOC122756382 (Sharpr-MPRA regulatory region 7856; plus strand). Cytogenetic location: 2p25.1.
Variant type: Deletion.
Coding change: c.1367del on transcript NM_001349206.2 (MANE Select); coding-DNA position 1367, one base deleted (C; older notation c.1367delC).
Protein change: p.Pro456fs; shifts the reading frame from proline 456.
Molecular consequence: frameshift variant. On other transcripts: non-coding transcript variant (1).
Genome position (GRCh38, 1-based): chr2:11,784,894, C deleted; the last of 2 consecutive C bases (chr2:11,784,893-11,784,894); deleting either gives the same sequence. VCF-style (leftmost placement, unchanged base first): chr2-11784892-TC-T. GRCh37 (hg19) VCF-style: chr2-11925018-TC-T.
Other names: c.1277del, p.Pro426fs (NM_001261427.3); c.1514del, p.Pro505fs (NM_001261428.3); c.1259del, p.Pro420fs (NM_001349199.2, NM_001349200.2, NM_001349201.2 and 1 more transcripts); c.1364del, p.Pro455fs (NM_001349202.2, NM_001349203.2); c.1367del, p.Pro456fs (NM_001349204.2, NM_001349205.2); c.1457del, p.Pro486fs (NM_001349207.2); c.1406del, p.Pro469fs (NM_001349208.2); short protein forms P426fs, P505fs, P469fs, P456fs, P420fs, P455fs, P486fs.
Identifiers: ClinVar variation 632328 (VCV000632328.46), dbSNP rs1558903736, ClinGen allele CA658820936.

ClinVar aggregate classification (germline): Pathogenic/Likely pathogenic. Review status: criteria provided, multiple submitters, no conflicts (2 of 4 stars). 2 submissions from 2 submitters: Pathogenic (1); Likely pathogenic (1). Last evaluated 2025-10-25.

Conditions:
Myoglobinuria, acute recurrent, autosomal recessive. Also called: MYOGLOBINURIA, FAMILIAL PAROXYSMAL PARALYTIC; RHABDOMYOLYSIS, ACUTE RECURRENT; Myoglobinuria, recurrent, autosomal recessive. Identifiers: Orphanet 99845, MedGen C1849386, MONDO:0009992, OMIM 268200.

Submissions (2):

Variantyx, Inc.
Classification: Likely pathogenic for Myoglobinuria, acute recurrent, autosomal recessive. Last evaluated: 2025-10-25. Review status: criteria provided, single submitter. Criteria: Variantyx Assertion Criteria 2022. Collection method: clinical testing. Allele origin: germline. Inheritance: Autosomal recessive inheritance. Affected: no.
Comment: This is a frameshift variant in the LPIN1 gene (OMIM: 605518). Pathogenic variants in this gene have been associated with autosomal recessive acute recurrent myoglobinuria. This variant introduces a premature termination codon in exon 10 out of 21 and is expected to result in loss of function, which is a known disease mechanism for LPIN1 in this disorder (PMID:20583302) (PVS1). This variant has been identified in the homozygous or compound heterozygous state inat least one individuals reported in the published literature (PMID:20583302). It has a 0.0003% maximum allele frequency in non-founder control populations (PM2). Based on the current evidence, this variant is classified as likely pathogenic for autosomal recessive acute recurrent myoglobinuria.No other variant of clinical significance was identified in the LPIN1 gene.

CeGaT Center for Human Genetics Tuebingen
Classification: Pathogenic. Last evaluated: 2019-09-01. Review status: criteria provided, single submitter. Criteria: CeGaT Center For Human Genetics Tuebingen Variant Classification Criteria Version 2. Collection method: clinical testing. Allele origin: germline. Affected: yes. Observed: 2 variant alleles.

Literature cited by the submitters: PubMed 20583302 (cited by Variantyx, Inc.).